The following is an entry in ClinVar:

NM_000271.5(NPC1):c.584A>T (p.Asn195Ile)

Gene: NPC1 (NPC intracellular cholesterol transporter 1; minus strand). Cytogenetic location: 18q11.2.
Variant type: single nucleotide variant.
Coding change: c.584A>T on transcript NM_000271.5 (MANE Select); coding-DNA position 584, A replaced by T.
Protein change: p.Asn195Ile; replaces asparagine 195 with isoleucine.
Molecular consequence: missense variant.
Genome position (GRCh38, 1-based): chr18:23,561,407, T>A on the plus strand (A>T on the coding strand, the complement: NPC1 is on the minus strand). VCF-style: chr18-23561407-T-A. GRCh37 (hg19) VCF-style: chr18-21141371-T-A.
Other names: short protein forms N195I.
Identifiers: ClinVar variation 2071778 (VCV002071778.4), dbSNP rs1244123976, ClinGen allele CA401782228.

ClinVar aggregate classification (germline): Uncertain significance (1 of 4 stars; one submission).

Conditions:
Niemann-Pick disease, type C1. Also called: NEUROVISCERAL STORAGE DISEASE WITH VERTICAL SUPRANUCLEAR OPHTHALMOPLEGIA; NIEMANN-PICK DISEASE WITH CHOLESTEROL ESTERIFICATION BLOCK; NIEMANN-PICK DISEASE WITHOUT SPHINGOMYELINASE DEFICIENCY; NIEMANN-PICK DISEASE, CHRONIC NEURONOPATHIC FORM; NIEMANN-PICK DISEASE, VARIANT TYPE C1. Identifiers: Orphanet 646, MedGen C3179455, MONDO:0009757, OMIM 257220.

Submission:

Labcorp Genetics (formerly Invitae), Labcorp
Classification: Uncertain significance for Niemann-Pick disease, type C1. Last evaluated: 2024-12-16. Review status: criteria provided, single submitter. Criteria: Invitae Variant Classification Sherloc (09022015). Collection method: clinical testing. Allele origin: germline.
Comment: This sequence change replaces asparagine, which is neutral and polar, with isoleucine, which is neutral and non-polar, at codon 195 of the NPC1 protein (p.Asn195Ile). This variant is not present in population databases (gnomAD no frequency). This variant has not been reported in the literature in individuals affected with NPC1-related conditions. ClinVar contains an entry for this variant (Variation ID: 2071778). Invitae Evidence Modeling of protein sequence and biophysical properties (such as structural, functional, and spatial information, amino acid conservation, physicochemical variation, residue mobility, and thermodynamic stability) has been performed for this missense variant. However, the output from this modeling did not meet the statistical confidence thresholds required to predict the impact of this variant on NPC1 protein function. In summary, the available evidence is currently insufficient to determine the role of this variant in disease. Therefore, it has been classified as a Variant of Uncertain Significance.